The following is an entry in ClinVar:

NM_001018116.2(CAVIN4):c.296A>G (p.His99Arg)

Gene: CAVIN4 (caveolae associated protein 4; plus strand). Cytogenetic location: 9q31.1.
Variant type: single nucleotide variant.
Coding change: c.296A>G on transcript NM_001018116.2 (MANE Select); coding-DNA position 296, A replaced by G.
Protein change: p.His99Arg; replaces histidine 99 with arginine.
Molecular consequence: missense variant.
Genome position (GRCh38, 1-based): chr9:100,578,439, A>G. VCF-style: chr9-100578439-A-G. GRCh37 (hg19) VCF-style: chr9-103340721-A-G.
Other names: c.296A>G, p.His99Arg (LRG_760t1); short protein forms H99R.
Identifiers: ClinVar variation 452629 (VCV000452629.2), dbSNP rs1554690779, ClinGen allele CA374250118.

ClinVar aggregate classification (germline): Uncertain significance (1 of 4 stars; one submission).

Allele frequency attached by ClinVar (database versions not stated): gnomAD exomes below 0.00001; gnomAD 0.00001.
gnomAD v4.1: 3 of 1,613,990 alleles (0.00019%); highest among the groups gnomAD compares: Non-Finnish European, 0.00017%; no homozygotes.

Submission:

GeneDx
Classification: Uncertain significance. Last evaluated: 2017-10-06. Review status: criteria provided, single submitter. Criteria: GeneDx Variant Classification (06012015). Collection method: clinical testing. Allele origin: germline. Affected: yes.
Comment: The H99R variant of uncertain significance in MURC gene has not been published as pathogenic or been reported as benign to our knowledge. H99R is not observed in large population cohorts (Lek et al., 2016). The H99R variant is a conservative amino acid substitution, which is not likely to impact secondary protein structure as these residues share similar properties. And while this substitution occurs at a position that is conserved in mammals, R99 is the wild-type residue in at least one species. In silico analysis is inconsistent in its predictions as to whether or not the variant is damaging to the protein structure/function. Finally, no pathogenic missense variants in nearby residues have been reported in the Human Gene Mutation Database (Stenson et al., 2014).